The following is an entry in ClinVar:

NM_001018115.3(FANCD2):c.3248A>G (p.Asn1083Ser)

Genes: FANCD2 (FA complementation group D2; plus strand), FANCD2OS (FANCD2 opposite strand; minus strand). Cytogenetic location: 3p25.3.
Variant type: single nucleotide variant.
Coding change: c.3248A>G on transcript NM_001018115.3 (MANE Select); coding-DNA position 3248, A replaced by G.
Protein change: p.Asn1083Ser; replaces asparagine 1083 with serine.
Molecular consequence: missense variant. On other transcripts: intron variant (1).
Genome position (GRCh38, 1-based): chr3:10,085,835, A>G. VCF-style: chr3-10085835-A-G. GRCh37 (hg19) VCF-style: chr3-10127519-A-G.
Other names: c.3248A>G, p.Asn1083Ser (NM_001319984.2, NM_001374254.1, NM_033084.6); c.3137A>G, p.Asn1046Ser (NM_001374253.1); c.*44-4304T>C (NM_173472.2); short protein forms N1046S, N1083S.
Identifiers: ClinVar variation 962389 (VCV000962389.8), dbSNP rs1180577651, ClinGen allele CA351750978.

ClinVar aggregate classification (germline): Uncertain significance. Review status: criteria provided, multiple submitters, no conflicts (2 of 4 stars). 2 submissions from 2 submitters: Uncertain significance (2). Last evaluated 2025-11-06.

Conditions:
Inborn genetic diseases. Identifiers: MedGen C0950123, MeSH D030342.
Fanconi anemia (FA). Also called: Fanconi's anemia. Identifiers: Orphanet 84, MedGen C0015625, MeSH D005199, MONDO:0019391.

Allele frequency attached by ClinVar (database versions not stated): TOPMed below 0.00001; gnomAD 0.00001; gnomAD exomes 0.00001.
gnomAD v4.1: 16 of 1,613,468 alleles (0.00099%); highest among the groups gnomAD compares: Non-Finnish European, 0.0013%; no homozygotes.

Submissions (2):

Ambry Genetics
Classification: Uncertain significance for Inborn genetic diseases. Last evaluated: 2025-11-06. Review status: criteria provided, single submitter. Criteria: Ambry Variant Classification Scheme 2023. Collection method: clinical testing. Allele origin: germline.

Labcorp Genetics (formerly Invitae), Labcorp
Classification: Uncertain significance for Fanconi anemia. Last evaluated: 2021-08-30. Review status: criteria provided, single submitter. Criteria: Invitae Variant Classification Sherloc (09022015). Collection method: clinical testing. Allele origin: germline.
Comment: This sequence change replaces asparagine with serine at codon 1083 of the FANCD2 protein (p.Asn1083Ser). The asparagine residue is moderately conserved and there is a small physicochemical difference between asparagine and serine. This variant is not present in population databases (ExAC no frequency). This variant has not been reported in the literature in individuals affected with FANCD2-related conditions. Algorithms developed to predict the effect of missense changes on protein structure and function are either unavailable or do not agree on the potential impact of this missense change (SIFT: "Tolerated"; PolyPhen-2: "Possibly Damaging"; Align-GVGD: "Class C0"). Algorithms developed to predict the effect of sequence changes on RNA splicing suggest that this variant may create or strengthen a splice site. In summary, the available evidence is currently insufficient to determine the role of this variant in disease. Therefore, it has been classified as a Variant of Uncertain Significance.